The following is an entry in ClinVar:

ClinVar aggregate classification (germline): Conflicting classifications of pathogenicity. Review status: criteria provided, conflicting classifications (1 of 4 stars). 6 submissions from 6 submitters: Uncertain significance (4); Likely benign (2). Last evaluated 2026-02-01.

Conditions:
Inborn genetic diseases. Identifiers: MedGen C0950123, MeSH D030342.
Recessive dystrophic epidermolysis bullosa (RDEB). Also called: Hallopeau-Siemens Disease; severe generalized recessive dystrophic epidermolysis bullosa; Epidermolysis Bullosa Distrophica Autosomal Recessive (RDEB); EPIDERMOLYSIS BULLOSA DYSTROPHICA, GENERALIZED SEVERE, AUTOSOMAL RECESSIVE; epidermolysis bullosa dystrophica, autosomal recessive; Recessive DEB (RDEB). Identifiers: Orphanet 79408, Orphanet 79409, MedGen C0079474, MONDO:0009179, OMIM 226600.
Transient bullous dermolysis of the newborn (TBDN). Also called: EPIDERMOLYSIS BULLOSA DYSTROPHICA, NEONATAL FORM; DYSTROPHIC EPIDERMOLYSIS BULLOSA, NEONATAL. Identifiers: Orphanet 79411, MedGen C1851573, MONDO:0007548, OMIM 131705.
Nonsyndromic congenital nail disorder 8. Also called: TOENAIL DYSTROPHY, ISOLATED. Identifiers: MedGen C1843761, MONDO:0011852, OMIM 607523.
Generalized dominant dystrophic epidermolysis bullosa (DDEB). Also called: DDEB, generalized; DDEB-gen; DYSTROPHIC EPIDERMOLYSIS BULLOSA, AUTOSOMAL DOMINANT; Dominant DEB (DDEB); Epidermolysis bullosa dystrophica, autosomal dominant. Identifiers: Orphanet 231568, MedGen C0432322, MONDO:0007549, OMIM 131750.
Epidermolysis bullosa pruriginosa. Also called: DEB, PRURIGINOSA; DYSTROPHIC EPIDERMOLYSIS BULLOSA PRURIGINOSA. Identifiers: Orphanet 89843, MedGen C1275114, MONDO:0011398, OMIM 604129.
Pretibial dystrophic epidermolysis bullosa. Also called: Pretibial blistering; Pretibial epidermolysis bullosa; EPIDERMOLYSIS BULLOSA DYSTROPHICA, PRETIBIAL. Identifiers: Orphanet 79410, MedGen C0432321, MONDO:0007552, OMIM 131850, HP:0012221.
Dominant dystrophic epidermolysis bullosa with absence of skin. Also called: EPIDERMOLYSIS BULLOSA WITH CONGENITAL LOCALIZED ABSENCE OF SKIN AND DEFORMITY OF NAILS; EPIDERMOLYSIS BULLOSA DYSTROPHICA, BART TYPE. Identifiers: MedGen C0268371, MONDO:0007557, OMIM 132000.

Allele frequency attached by ClinVar (database versions not stated): gnomAD 0.00003 and 0.00004; ExAC 0.00006; gnomAD exomes 0.00006; TOPMed 0.00006.
gnomAD v4.1: 96 of 1,613,704 alleles (0.0059%); highest among the groups gnomAD compares: Non-Finnish European, 0.0071%; no homozygotes.

Submissions (6):

Labcorp Genetics (formerly Invitae), Labcorp
Classification: Likely benign. Last evaluated: 2026-02-01. Review status: criteria provided, single submitter. Criteria: Invitae Variant Classification Sherloc (09022015). Collection method: clinical testing. Allele origin: germline.

Ambry Genetics
Classification: Uncertain significance for Inborn genetic diseases. Last evaluated: 2023-03-29. Review status: criteria provided, single submitter. Criteria: Ambry Variant Classification Scheme 2023. Collection method: clinical testing. Allele origin: germline.

Blueprint Genetics
Classification: Likely benign. Last evaluated: 2022-12-27. Review status: criteria provided, single submitter. Criteria: ACMG Guidelines, 2015. Collection method: clinical testing. Allele origin: germline.

Fulgent Genetics
Classification: Uncertain significance for Transient bullous dermolysis of the newborn; Generalized dominant dystrophic epidermolysis bullosa; Pretibial dystrophic epidermolysis bullosa; Dominant dystrophic epidermolysis bullosa with absence of skin; Recessive dystrophic epidermolysis bullosa; Epidermolysis bullosa pruriginosa; Nonsyndromic congenital nail disorder 8. Last evaluated: 2022-01-19. Review status: criteria provided, single submitter. Criteria: ACMG Guidelines, 2015. Collection method: clinical testing. Allele origin: unknown.

Institute for Clinical Genetics, University Hospital TU Dresden, University Hospital TU Dresden
Classification: Uncertain significance. Last evaluated: 2021-11-03. Review status: criteria provided, single submitter. Criteria: ACMG Guidelines, 2015. Collection method: clinical testing. Allele origin: germline.

Neuberg Centre For Genomic Medicine, NCGM
Classification: Uncertain significance for Recessive dystrophic epidermolysis bullosa. Review status: criteria provided, single submitter. Criteria: ACMG Guidelines, 2015. Collection method: clinical testing. Allele origin: germline. Inheritance: Autosomal recessive inheritance. Affected: yes.
Comment: The missense variant p.R1482Q in COL7A1 (NM_000094.4) has not been reported previously as a pathogenic variant nor as a benign variant, to our knowledge. The p.R1482Q variant is observed in 12/1,12,986 (0.0106%) alleles from individuals of European (Non-Finnish) background in gnomAD Exomes and is novel (not in any individuals) in 1000 Genomes. There is a small physicochemical difference between arginine and glutamine, which is not likely to impact secondary protein structure as these residues share similar properties. The p.R1482Q variant is not predicted to disrupt splicing by any splice site algorithm. The p.R1482Q missense variant is predicted to be tolerated by both SIFT or PolyPhen2. The nucleotide c.4445 in COL7A1 is not conserved according to a GERP++ and PhyloP analysis of 100 vertebrates. For these reasons, this variant has been classified as Uncertain Significance.

NM_000094.4(COL7A1):c.4445G>A (p.Arg1482Gln)

Gene: COL7A1 (collagen type VII alpha 1 chain; minus strand). Cytogenetic location: 3p21.31.
Variant type: single nucleotide variant.
Coding change: c.4445G>A on transcript NM_000094.4 (MANE Select); coding-DNA position 4445, G replaced by A.
Protein change: p.Arg1482Gln; replaces arginine 1482 with glutamine.
Molecular consequence: missense variant.
Genome position (GRCh38, 1-based): chr3:48,583,164, C>T on the plus strand (G>A on the coding strand, the complement: COL7A1 is on the minus strand). VCF-style: chr3-48583164-C-T. GRCh37 (hg19) VCF-style: chr3-48620597-C-T.
Other names: short protein forms R1482Q.
Identifiers: ClinVar variation 1319567 (VCV001319567.11), dbSNP rs570707807, ClinGen allele CA2380013.